The following is an entry in ClinVar:

NM_000540.3(RYR1):c.6218T>A (p.Val2073Glu)

Gene: RYR1 (ryanodine receptor 1; plus strand). Cytogenetic location: 19q13.2.
Variant type: single nucleotide variant.
Coding change: c.6218T>A on transcript NM_000540.3 (MANE Select); coding-DNA position 6218, T replaced by A.
Protein change: p.Val2073Glu; replaces valine 2073 with glutamic acid.
Molecular consequence: missense variant.
Genome position (GRCh38, 1-based): chr19:38,492,580, T>A. VCF-style: chr19-38492580-T-A. GRCh37 (hg19) VCF-style: chr19-38983220-T-A.
Other names: c.6218T>A, p.Val2073Glu (NM_001042723.2); short protein forms V2073E.
Identifiers: ClinVar variation 3385416 (VCV003385416.1).
Genomic context (GRCh38, chr19:38,492,580, plus strand): 5'-CAGAGGAAGAGACCACCCTGGGCAGCCGCCTCATGAGCCTGTTGGAGAAAGTGCGGCTGG[T>A]GAAGAAGAAGGAAGAGAAACCTGAGGAGGAGCGGTCAGCAGAGGAGAGCAAACCCCGTGA-3'
Protein context (NP_000531.2, residues 2063-2083): LMSLLEKVRL[Val2073Glu]KKKEEKPEEE

ClinVar aggregate classification (germline): Uncertain significance (1 of 4 stars; one submission).

Conditions:
Malignant hyperthermia, susceptibility to, 1 (MHS1). Also called: Anesthesia related hyperthermia; Malignant hyperpyrexia; Fulminating hyperpyrexia; Pharmacogenic myopathy; Malignant hyperthermia suceptibility 1; RYR1-Related Malignant Hyperthermia Susceptibility. Identifiers: Orphanet 423, MedGen C2930980, MONDO:0007783, OMIM 145600.

Submission:

All of Us Research Program, National Institutes of Health
Classification: Uncertain significance for Malignant hyperthermia, susceptibility to, 1. Last evaluated: 2024-04-25. Review status: criteria provided, single submitter. Criteria: ACMG Guidelines, 2015. Collection method: clinical testing. Allele origin: germline. Inheritance: Autosomal dominant inheritance. Observed: 1 variant allele, 1 heterozygote.
Comment: This missense variant replaces valine with glutamic acid at codon 2073 of the RYR1 protein. Computational prediction suggests that this variant may not impact protein structure and function (internally defined REVEL score threshold <= 0.5, PMID: 27666373). To our knowledge, functional studies have not been reported for this variant. This variant has not been reported in individuals affected with RYR1-related disorders in the literature. This variant has not been identified in the general population by the Genome Aggregation Database (gnomAD). The available evidence is insufficient to determine the role of this variant in disease conclusively. Therefore, this variant is classified as a Variant of Uncertain Significance.

This study involves interpretation of variants in research participants for the purpose of population health screening. Participant phenotype was not available at the time of variant classification. Additional details can be found in publication PMID: 35346344, PMCID: PMC8962531